The following is an entry in ClinVar:

NM_018136.5(ASPM):c.8780G>A (p.Arg2927Gln)

Gene: ASPM (assembly factor for spindle microtubules; minus strand). Cytogenetic location: 1q31.3.
Variant type: single nucleotide variant.
Coding change: c.8780G>A on transcript NM_018136.5 (MANE Select); coding-DNA position 8780, G replaced by A.
Protein change: p.Arg2927Gln; replaces arginine 2927 with glutamine.
Molecular consequence: missense variant. On other transcripts: intron variant (1).
Genome position (GRCh38, 1-based): chr1:197,100,471, C>T on the plus strand (G>A on the coding strand, the complement: ASPM is on the minus strand). VCF-style: chr1-197100471-C-T. GRCh37 (hg19) VCF-style: chr1-197069601-C-T.
Other names: c.4066-4307G>A (NM_001206846.2); c.8780G>A (NM_018136.4); short protein forms R2927Q.
Identifiers: ClinVar variation 1363642 (VCV001363642.7), dbSNP rs773437954, ClinGen allele CA1309152.

ClinVar aggregate classification (germline): Uncertain significance. Review status: criteria provided, multiple submitters, no conflicts (2 of 4 stars). 2 submissions from 2 submitters: Uncertain significance (2). Last evaluated 2025-02-01.

Conditions:
Inborn genetic diseases. Identifiers: MedGen C0950123, MeSH D030342.

Allele frequency attached by ClinVar (database versions not stated): gnomAD exomes 0.00002; ExAC 0.00004; gnomAD 0.00005 and 0.00006; TOPMed 0.00016.
gnomAD v4.1: 40 of 1,573,988 alleles (0.0025%); highest among the groups gnomAD compares: East Asian, 0.034%; no homozygotes.

Submissions (2):

Ambry Genetics
Classification: Uncertain significance for Inborn genetic diseases. Last evaluated: 2025-02-01. Review status: criteria provided, single submitter. Criteria: Ambry Variant Classification Scheme 2023. Collection method: clinical testing. Allele origin: germline.

Labcorp Genetics (formerly Invitae), Labcorp
Classification: Uncertain significance. Last evaluated: 2021-09-17. Review status: criteria provided, single submitter. Criteria: Invitae Variant Classification Sherloc (09022015). Collection method: clinical testing. Allele origin: germline.
Comment: This sequence change replaces arginine with glutamine at codon 2927 of the ASPM protein (p.Arg2927Gln). The arginine residue is weakly conserved and there is a small physicochemical difference between arginine and glutamine. This variant is present in population databases (rs773437954, ExAC 0.04%). This variant has not been reported in the literature in individuals affected with ASPM-related conditions. Algorithms developed to predict the effect of missense changes on protein structure and function output the following: SIFT: "Deleterious"; PolyPhen-2: "Benign"; Align-GVGD: "Class C0". The glutamine amino acid residue is found in multiple mammalian species, which suggests that this missense change does not adversely affect protein function. In summary, the available evidence is currently insufficient to determine the role of this variant in disease. Therefore, it has been classified as a Variant of Uncertain Significance.